The following is an entry in ClinVar:

NM_000352.6(ABCC8):c.536_539del (p.Leu178_Tyr179insTer)

Gene: ABCC8 (ATP binding cassette subfamily C member 8; minus strand). Cytogenetic location: 11p15.1.
Variant type: Deletion.
Coding change: c.536_539del on transcript NM_000352.6 (MANE Select); coding-DNA positions 536 to 539, 4 bases deleted (ATGG; older notation c.536_539delATGG).
Protein change: p.Leu178_Tyr179insTer.
Molecular consequence: nonsense. On other transcripts: non-coding transcript variant (1).
Genome position (GRCh38, 1-based): chr11:17,463,478-17,463,481, CCAT deleted on the plus strand (ATGG on the coding strand, the reverse complement: ABCC8 is on the minus strand). VCF-style (leftmost placement, unchanged base first): chr11-17463477-CCCAT-C. GRCh37 (hg19) VCF-style: chr11-17485024-CCCAT-C.
Other names: NM_000352.6(ABCC8):c.536_539del; p.Leu178_Tyr179insTer; c.536_539del, p.Leu178_Tyr179insTer (NM_001351295.2, NM_001351296.2, NM_001351297.2 and 1 more transcripts); c.536_539delATGG (NM_000352.6, NM_000352.4).
Identifiers: ClinVar variation 550846 (VCV000550846.13), dbSNP rs770664202, ClinGen allele CA5903847.

ClinVar aggregate classification (germline): Pathogenic/Likely pathogenic. Review status: criteria provided, multiple submitters, no conflicts (2 of 4 stars). 7 submissions from 7 submitters: Pathogenic (5); Likely pathogenic (1). 1 of the submissions does not count toward it. Last evaluated 2026-05-12.

Conditions:
Familial hyperinsulinism. Also called: Congenital hyperinsulinism. Identifiers: Orphanet 276525, MedGen C3888018, MONDO:0017182. Disease mechanism: loss of function.
Hyperinsulinemic hypoglycemia, familial, 1 (HHF1). Also called: HYPERINSULINISM, FAMILIAL, WITH PANCREATIC NESIDIOBLASTOSIS; HYPOGLYCEMIA, HYPERINSULINEMIC, OF INFANCY; Persistent hyperinsulinemic hypoglycemia of infancy; NESIDIOBLASTOSIS OF PANCREAS; Persistent Hyperinsulinemia Hypoglycemia of Infancy. Identifiers: Orphanet 276575, Orphanet 276598, MedGen C2931832, MONDO:0009734, OMIM 256450.
Type 2 diabetes mellitus. Also called: Type II diabetes mellitus. Identifiers: MedGen C0011860, MeSH D003924, MONDO:0005148, OMIM 125853, HP:0005978.
Diabetes mellitus, transient neonatal, 2 (TNDM2). Identifiers: Orphanet 99886, MedGen C1835887, MONDO:0012480, OMIM 610374. Disease mechanism: loss of function.
Diabetes mellitus, permanent neonatal 3. Also called: ABCC8-Related Permanent Neonatal Diabetes Mellitus. Identifiers: MedGen C5394303, MONDO:0030088, OMIM 618857.
Leucine-induced hypoglycemia (LIH). Also called: LEUCINE-SENSITIVE HYPOGLYCEMIA OF INFANCY. Identifiers: MedGen C0271714, MONDO:0009415, OMIM 240800.
Hereditary hyperinsulinism.

Allele frequency attached by ClinVar (database versions not stated): gnomAD exomes below 0.00001 and 0.00001; TOPMed below 0.00001; ExAC 0.00001.

Submissions (7):

Women's Health and Genetics/Laboratory Corporation of America, LabCorp
Classification: Pathogenic for Familial hyperinsulinism. Last evaluated: 2026-05-12. Review status: criteria provided, single submitter. Criteria: LabCorp Variant Classification Summary - May 2015. Collection method: clinical testing. Allele origin: germline.
Comment: Variant summary: ABCC8 c.536_539delATGG (p.Tyr179X) results in a premature termination codon, predicted to cause a truncation of the encoded protein or absence of the protein due to nonsense mediated decay, which are commonly known mechanisms for disease. The variant allele was found at a frequency of 4.3e-06 in 234694 control chromosomes. c.536_539delATGG has been observed in individuals affected with Familial Hyperinsulinism and Permanent Neonatal Diabetes (Stanley_2004, Ellard_2007). These data indicate that the variant is very likely to be associated with disease. A different variant affecting the same codon has been classified as pathogenic by our lab (c.536A>G, p.Tyr179Cys), supporting the critical relevance of codon 179 to ABCC8 protein function. At least one publication reports experimental evidence evaluating an impact on ABCC8 expression (Ellard_2007). The most pronounced variant effect results in <25% of mutant mRNA suggesting a nonsense-mediated decay. The following publications have been ascertained in the context of this evaluation (PMID: 14715863, 16357843, 17668386). ClinVar contains an entry for this variant (Variation ID: 550846). Based on the evidence outlined above, the variant was classified as pathogenic.

Natera, Inc.
Classification: Likely pathogenic for Hereditary hyperinsulinism. Last evaluated: 2024-07-07. Review status: criteria provided, single submitter. Criteria: Natera Variant Classification Schema (03/2026). Collection method: clinical testing. Allele origin: germline.
Comment: The c.536_539delATGG variant in ABCC8 is a frameshift variant predicted to shift the reading frame and introduce a stop codon. This variant is expected to result in nonsense mediated decay, truncation, or a dysfunctional protein product. This variant is rare in the general population with a frequency below the threshold expected for the associated phenotype(s). Given the available evidence, this variant is classified as Likely Pathogenic.

Fulgent Genetics
Classification: Pathogenic for Type 2 diabetes mellitus; Leucine-induced hypoglycemia; Hyperinsulinemic hypoglycemia, familial, 1; Diabetes mellitus, transient neonatal, 2; Diabetes mellitus, permanent neonatal 3. Last evaluated: 2024-05-09. Review status: criteria provided, single submitter. Criteria: ACMG Guidelines, 2015. Collection method: clinical testing. Allele origin: germline.

Baylor Genetics
Classification: Pathogenic for Type 2 diabetes mellitus. Last evaluated: 2023-11-07. Review status: criteria provided, single submitter. Criteria: ACMG Guidelines, 2015. Collection method: clinical testing. Allele origin: unknown.

Labcorp Genetics (formerly Invitae), Labcorp
Classification: Pathogenic. Last evaluated: 2023-09-21. Review status: criteria provided, single submitter. Criteria: Invitae Variant Classification Sherloc (09022015). Collection method: clinical testing. Allele origin: germline.
Comment: This variant is also known as 536-539 del atgg. For these reasons, this variant has been classified as Pathogenic. Experimental studies have shown that this premature translational stop signal affects ABCC8 function (PMID: 17668386). Algorithms developed to predict the effect of variants on protein structure and function are not available or were not evaluated for this variant. ClinVar contains an entry for this variant (Variation ID: 550846). This premature translational stop signal has been observed in individuals with autosomal recessive neonatal diabetes mellitus and autosomal recessive diffuse or focal hyperinsulinism (PMID: 16357843, 17668386). This variant is present in population databases (rs770664202, gnomAD 0.001%). This sequence change creates a premature translational stop signal (p.Tyr179*) in the ABCC8 gene. It is expected to result in an absent or disrupted protein product. Loss-of-function variants in ABCC8 are known to be pathogenic (PMID: 20685672, 23345197).

Broad Center for Mendelian Genomics, Broad Institute of MIT and Harvard
Classification: Pathogenic for Hyperinsulinemic hypoglycemia, familial, 1. Last evaluated: 2023-08-16. Review status: criteria provided, single submitter. Criteria: ACMG Guidelines, 2015. Collection method: curation. Allele origin: germline. Inheritance: Autosomal recessive inheritance.
Comment: The p.Tyr179Ter variant in ABCC8 has been previously reported in 1 individual with hyperinsulinemic hypoglycemia (PMID: 14715863, 16357843), and has been identified in 0.001% (1/106144) of European (non-Finnish) chromosomes by the Genome Aggregation Database (gnomAD; dbSNP ID: rs770664202). Although this variant has been seen in the general population in a heterozygous state, its frequency is low enough to be consistent with a recessive carrier frequency. This variant has also been reported in ClinVar (Variation ID#: 550846) and has been interpreted as likely pathogenic by Counsyl and pathogenic by Invitae. In vitro functional studies provide some evidence that the p.Tyr179Ter variant may slightly impact protein function (PMID: 17668386). However, these types of assays may not accurately represent biological function. This variant is predicted to cause a frameshift, which alters the protein’s amino acid sequence beginning at position 179 and leads to a premature termination codon 1 amino acid downstream. This alteration is then predicted to lead to a truncated or absent protein. Loss of function of the ABCC8 gene is an established disease mechanism in autosomal recessive hyperinsulinemic hypoglycemia. In summary, this variant meets criteria to be classified as pathogenic for autosomal recessive hyperinsulinemic hypoglycemia. ACMG/AMP Criteria applied: PVS1, PM2_supporting, PS3_supporting (Richards 2015).

Counsyl
Classification: Likely pathogenic for Hyperinsulinemic hypoglycemia, familial, 1. Last evaluated: 2017-02-24. Review status: no assertion criteria provided. Collection method: clinical testing. Allele origin: unknown. Not counted in ClinVar's aggregate classification.

Literature cited by the submitters: PubMed 14715863 (cited by Women's Health and Genetics/Laboratory Corporation of America, LabCorp); PubMed 16357843 (cited by 3 submitters); PubMed 17668386 (cited by 4 submitters); PubMed 20685672 (cited by Labcorp Genetics (formerly Invitae), Labcorp); PubMed 23345197 (cited by Labcorp Genetics (formerly Invitae), Labcorp); PubMed 17919176 (cited by Counsyl).